The following is an entry in ClinVar:

NM_172107.4(KCNQ2):c.2114C>T (p.Pro705Leu)

Gene: KCNQ2 (potassium voltage-gated channel subfamily Q member 2; minus strand). Cytogenetic location: 20q13.33.
Variant type: single nucleotide variant.
Coding change: c.2114C>T on transcript NM_172107.4 (MANE Select); coding-DNA position 2114, C replaced by T.
Protein change: p.Pro705Leu; replaces proline 705 with leucine.
Molecular consequence: missense variant.
Genome position (GRCh38, 1-based): chr20:63,407,149, G>A on the plus strand (C>T on the coding strand, the complement: KCNQ2 is on the minus strand). VCF-style: chr20-63407149-G-A. GRCh37 (hg19) VCF-style: chr20-62038502-G-A.
Other names: c.2168C>T, p.Pro723Leu (NM_001382235.1); c.2030C>T, p.Pro677Leu (NM_004518.6); c.2060C>T, p.Pro687Leu (NM_172106.3); c.2021C>T, p.Pro674Leu (NM_172108.5); short protein forms P674L, P723L, P705L, P677L, P687L.
Identifiers: ClinVar variation 1387804 (VCV001387804.9), dbSNP rs779609892, ClinGen allele CA9958148.

ClinVar aggregate classification (germline): Uncertain significance (1 of 4 stars; one submission).

Conditions:
Early-infantile DEE. Also called: Early infantile epileptic encephalopathy with suppression bursts; Early infantile epileptic encephalopathy; Ohtahara syndrome. Identifiers: Orphanet 1934, MedGen C0393706, MONDO:0800491.

Allele frequency attached by ClinVar (database versions not stated): ExAC 0.00007; gnomAD exomes 0.00001 and 0.00002; gnomAD 0.00001 and 0.00002.
gnomAD v4.1: 19 of 1,581,818 alleles (0.0012%); highest among the groups gnomAD compares: South Asian, 0.01%; no homozygotes.

Submission:

Labcorp Genetics (formerly Invitae), Labcorp
Classification: Uncertain significance for Early-infantile DEE. Last evaluated: 2026-01-26. Review status: criteria provided, single submitter. Criteria: Invitae Variant Classification Sherloc (09022015). Collection method: clinical testing. Allele origin: germline.
Comment: This sequence change replaces proline, which is neutral and non-polar, with leucine, which is neutral and non-polar, at codon 705 of the KCNQ2 protein (p.Pro705Leu). The frequency data for this variant in the population databases is considered unreliable, as metrics indicate poor data quality at this position in the gnomAD database. This missense change has been observed in individual(s) with clinical features of KCNQ2-related conditions (PMID: 18625963). ClinVar contains an entry for this variant (Variation ID: 1387804). Invitae Evidence Modeling of protein sequence and biophysical properties (such as structural, functional, and spatial information, amino acid conservation, physicochemical variation, residue mobility, and thermodynamic stability) has been performed for this missense variant. However, the output from this modeling did not meet the statistical confidence thresholds required to predict the impact of this variant on KCNQ2 protein function. In summary, the available evidence is currently insufficient to determine the role of this variant in disease. Therefore, it has been classified as a Variant of Uncertain Significance.

Literature cited by the submitters: PubMed 18625963.